The following is an entry in ClinVar:

NM_130837.3(OPA1):c.*2873A>T

Gene: OPA1 (OPA1 mitochondrial dynamin like GTPase; plus strand). Cytogenetic location: 3q29.
Variant type: single nucleotide variant.
Coding change: c.*2873A>T on transcript NM_130837.3 (MANE Select); 2873 bases downstream of the stop codon, A replaced by T.
Molecular consequence: 3 prime UTR variant.
Genome position (GRCh38, 1-based): chr3:193,697,473, A>T. VCF-style: chr3-193697473-A-T. GRCh37 (hg19) VCF-style: chr3-193415262-A-T.
Other names: NC_000003.11:g.193415262A>T; c.*2873A>T (NM_001354663.2, NM_001354664.2, NM_015560.3 and 6 more transcripts).
Identifiers: ClinVar variation 344519 (VCV000344519.7), dbSNP rs10419, ClinGen allele CA10618286.
Genomic context (GRCh38, chr3:193,697,473, plus strand): 5'-ATTATTTTTTTAAAACCTTCACATTACGTGTAGATATTATTGCAACTTATATTTTGCCTG[A>T]GCTTGATCAAAGGTCATTTGTGTAGATGAGTAATTAAAAAATATTTAAATCACATTATAA-3'

ClinVar aggregate classification (germline): Benign. Review status: criteria provided, multiple submitters, no conflicts (2 of 4 stars). 2 submissions from 2 submitters: Benign (2). Last evaluated 2018-01-12.

Conditions:
Autosomal dominant optic atrophy classic form (OPA1). Also called: Optic Atrophy Type 1; KJER-TYPE OPTIC ATROPHY; OPTIC ATROPHY, JUVENILE. Identifiers: Orphanet 98673, MedGen C0338508, MONDO:0008134, OMIM 165500.

Allele frequency attached by ClinVar (database versions not stated): 1000 Genomes Project 30x 0.08214; 1000 Genomes Project 0.08247; TOPMed 0.10306; gnomAD 0.10485 and 0.10858.

Submissions (3):

Illumina Laboratory Services, Illumina
Classification: Benign for Autosomal dominant optic atrophy classic form. Last evaluated: 2018-01-12. Review status: criteria provided, single submitter. Criteria: ICSL Variant Classification Criteria 13 December 2019. Collection method: clinical testing. Allele origin: germline.
Comment: This variant was observed in the ICSL laboratory as part of a predisposition screen in an ostensibly healthy population. It had not been previously curated by ICSL or reported in the Human Gene Mutation Database (HGMD: prior to June 1st, 2018), and was therefore a candidate for classification through an automated scoring system. Utilizing variant allele frequency, disease prevalence and penetrance estimates, and inheritance mode, an automated score was calculated to assess if this variant is too frequent to cause the disease. Based on the score and internal cut-off values, a variant classified as benign is not then subjected to further curation. The score for this variant resulted in a classification of benign for this disease.

Breakthrough Genomics
Classification: Benign. Review status: criteria provided, single submitter. Criteria: ACMG Guidelines, 2015. Collection method: not provided. Allele origin: germline. Inheritance: Autosomal recessive inheritance. Affected: yes.

Dr. Peter K. Rogan Lab, Western University
No classification provided (evidence only). Condition: Acute myeloid leukemia. Review status: no classification provided. Collection method: in vitro. Allele origin: not applicable. Functional consequence: retained intron. Not counted in ClinVar's aggregate classification.